The following is an entry in ClinVar:

ClinVar aggregate classification (germline): Uncertain significance (1 of 4 stars; one submission).

Conditions:
Pheochromocytoma/paraganglioma syndrome 3. Also called: GLOMUS TUMORS, FAMILIAL, 3; Paragangliomas 3; SDHC-Related Hereditary Paraganglioma-Pheochromocytoma Syndrome (Paragangliomas 3); SDHC-Related Hereditary Paraganglioma-Pheochromocytoma Syndrome. Identifiers: Orphanet 29072, MedGen C1854336, MONDO:0011544, OMIM 605373.
Gastrointestinal stromal tumor. Also called: Gastrointestinal stromal tumor, somatic; Gastrointestinal stroma tumor. Identifiers: Orphanet 44890, MedGen C0238198, MeSH D046152, MONDO:0011719, OMIM 606764, HP:0100723.

Submission:

Labcorp Genetics (formerly Invitae), Labcorp
Classification: Uncertain significance for Pheochromocytoma/paraganglioma syndrome 3; Gastrointestinal stromal tumor. Last evaluated: 2019-12-30. Review status: criteria provided, single submitter. Criteria: Invitae Variant Classification Sherloc (09022015). Collection method: clinical testing. Allele origin: germline.
Comment: This variant is not present in population databases (ExAC no frequency). In summary, the available evidence is currently insufficient to determine the role of this variant in disease. Therefore, it has been classified as a Variant of Uncertain Significance. Algorithms developed to predict the effect of missense changes on protein structure and function are either unavailable or do not agree on the potential impact of this missense change (SIFT: "Tolerated"; PolyPhen-2: "Possibly Damaging"; Align-GVGD: "Class C0"). This variant has not been reported in the literature in individuals with SDHC-related conditions. This sequence change replaces phenylalanine with valine at codon 122 of the SDHC protein (p.Phe122Val). The phenylalanine residue is moderately conserved and there is a small physicochemical difference between phenylalanine and valine.

NM_003001.5(SDHC):c.364T>G (p.Phe122Val)

Gene: SDHC (succinate dehydrogenase complex subunit C; plus strand). Cytogenetic location: 1q23.3.
Variant type: single nucleotide variant.
Coding change: c.364T>G on transcript NM_003001.5 (MANE Select); coding-DNA position 364, T replaced by G.
Protein change: p.Phe122Val; replaces phenylalanine 122 with valine.
Molecular consequence: missense variant. On other transcripts: non-coding transcript variant (1), intron variant (3).
Genome position (GRCh38, 1-based): chr1:161,356,799, T>G. VCF-style: chr1-161356799-T-G. GRCh37 (hg19) VCF-style: chr1-161326589-T-G.
Other names: c.262T>G, p.Phe88Val (NM_001035512.3); c.205T>G, p.Phe69Val (NM_001035513.3); c.484T>G, p.Phe162Val (NM_001407115.1); c.307T>G, p.Phe103Val (NM_001407116.1); c.301T>G, p.Phe101Val (NM_001407117.1); c.256T>G, p.Phe86Val (NM_001407118.1); c.253T>G, p.Phe85Val (NM_001407119.1, NM_001407120.1); c.242-5530T>G (NM_001035511.3); and 2 more; short protein forms F69V, F122V, F88V, F101V, F103V, F86V, F162V, F85V.
Identifiers: ClinVar variation 859146 (VCV000859146.22), dbSNP rs1553265808, ClinGen allele CA343456629.